The following is an entry in ClinVar:

ClinVar aggregate classification (germline): Likely pathogenic (1 of 4 stars; one submission).

Conditions:
Catecholaminergic polymorphic ventricular tachycardia (CVPT). Also called: Catecholamine-induced polymorphic ventricular tachycardia. Identifiers: Orphanet 3286, MedGen C5574922, MONDO:0017990.

Submission:

Laboratory for Molecular Medicine, Mass General Brigham Personalized Medicine
Classification: Likely pathogenic for Catecholaminergic polymorphic ventricular tachycardia. Last evaluated: 2012-10-03. Review status: criteria provided, single submitter. Criteria: LMM Criteria. Collection method: clinical testing. Allele origin: germline. Inheritance: Autosomal recessive inheritance. Observed: 1 variant allele.
Comment: The Ile193fs variant in CASQ2 has not been reported in the literature nor previo usly identified by our laboratory. This frameshift variant is predicted to alter the protein?s amino acid sequence beginning at position 193 and lead to a prema ture termination codon 17 amino acids downstream. This alteration is then predic ted to lead to a truncated or absent protein. Homozygous or compound heterozygou s variants in CASQ2 are strongly associated with CPVT and include loss-of-functi on variants (Roux-Buisson 2011). In summary, the severity of the predicted impac t of the Ile193fs variant supports that it is likely pathogenic and combination with a second disease-causing variant in CASQ2 would result in CPVT.

Literature cited by the submitters: PubMed 12386154.

NC_000001.11:g.115732927_115732929delinsGT

Gene: CASQ2 (calsequestrin 2; minus strand). Cytogenetic location: 1p13.1.
Variant type: Indel.
Genome position: GRCh38 VCF-style: chr1-115732927-TGA-GT. GRCh37 (hg19) VCF-style: chr1-116275548-TGA-GT.
Other names: c.578_580delinsAC, p.Ile193fs (NM_001232.4); short protein forms I193fs.
Identifiers: ClinVar variation 44169 (VCV000044169.5), dbSNP rs397516643, ClinGen allele CA261480.